The following is an entry in ClinVar:

ClinVar aggregate classification (germline): Benign. Review status: criteria provided, multiple submitters, no conflicts (2 of 4 stars). 4 submissions from 4 submitters: Benign (3). 1 of the submissions does not count toward it. Last evaluated 2026-09-01.

Conditions:
KDM5A-related disorder. Also called: KDM5A-related condition.

Allele frequency attached by ClinVar (database versions not stated): ESP Exome Variant Server 0.00017; gnomAD 0.00020 and 0.00059; TOPMed 0.00038; gnomAD exomes 0.00090 and 0.00158; ExAC 0.00172; 1000 Genomes Project 0.00260; 1000 Genomes Project 30x 0.00281.
gnomAD v4.1: 1,413 of 1,613,952 alleles (0.088%); highest among the groups gnomAD compares: South Asian, 1.1%; 22 homozygotes.

Submissions (4):

CeGaT Center for Human Genetics Tuebingen
Classification: Benign. Last evaluated: 2026-09-01. Review status: criteria provided, single submitter. Criteria: CeGaT Center For Human Genetics Tuebingen Variant Classification Criteria Version 2. Collection method: clinical testing. Allele origin: germline. Affected: yes. Observed: 1 variant allele.
Comment: KDM5A: BP4, BS1, BS2

Labcorp Genetics (formerly Invitae), Labcorp
Classification: Benign. Last evaluated: 2018-06-14. Review status: criteria provided, single submitter. Criteria: Invitae Variant Classification Sherloc (09022015). Collection method: clinical testing. Allele origin: germline.

Breakthrough Genomics
Classification: Benign. Review status: criteria provided, single submitter. Criteria: ACMG Guidelines, 2015. Collection method: not provided. Allele origin: germline. Inheritance: Unknown mechanism. Affected: yes.

PreventionGenetics, part of Exact Sciences
Classification: Benign for KDM5A-related condition. Last evaluated: 2020-01-22. Review status: no assertion criteria provided. Collection method: clinical testing. Allele origin: germline. Not counted in ClinVar's aggregate classification.
Comment: This variant is classified as benign based on ACMG/AMP sequence variant interpretation guidelines (Richards et al. 2015 PMID: 25741868, with internal and published modifications).

NM_001042603.3(KDM5A):c.3311A>G (p.Asp1104Gly)

Gene: KDM5A (lysine demethylase 5A; minus strand). Cytogenetic location: 12p13.33.
Variant type: single nucleotide variant.
Coding change: c.3311A>G on transcript NM_001042603.3 (MANE Select); coding-DNA position 3311, A replaced by G.
Protein change: p.Asp1104Gly; replaces aspartic acid 1104 with glycine.
Molecular consequence: missense variant.
Genome position (GRCh38, 1-based): chr12:309,870, T>C on the plus strand (A>G on the coding strand, the complement: KDM5A is on the minus strand). VCF-style: chr12-309870-T-C. GRCh37 (hg19) VCF-style: chr12-419036-T-C.
Other names: short protein forms D1104G.
Identifiers: ClinVar variation 742002 (VCV000742002.7), dbSNP rs201344078, ClinGen allele CA6378835.